The following is an entry in ClinVar:

NM_001458.5(FLNC):c.2036C>T (p.Pro679Leu)

Gene: FLNC (filamin C; plus strand). Cytogenetic location: 7q32.1.
Variant type: single nucleotide variant.
Coding change: c.2036C>T on transcript NM_001458.5 (MANE Select); coding-DNA position 2036, C replaced by T.
Protein change: p.Pro679Leu; replaces proline 679 with leucine.
Molecular consequence: missense variant.
Genome position (GRCh38, 1-based): chr7:128,841,482, C>T. VCF-style: chr7-128841482-C-T. GRCh37 (hg19) VCF-style: chr7-128481536-C-T.
Other names: c.2036C>T, p.Pro679Leu (NM_001127487.2); short protein forms P679L.
Identifiers: ClinVar variation 539414 (VCV000539414.18), dbSNP rs975517733, ClinGen allele CA166217424.

ClinVar aggregate classification (germline): Uncertain significance. Review status: criteria provided, multiple submitters, no conflicts (2 of 4 stars). 2 submissions from 2 submitters: Uncertain significance (2). Last evaluated 2022-08-22.

Conditions:
Distal myopathy with posterior leg and anterior hand involvement. Also called: WILLIAMS DISTAL MYOPATHY. Identifiers: Orphanet 63273, MedGen C3279722, MONDO:0013550, OMIM 614065.
Myofibrillar myopathy 5. Also called: Filaminopathy (type); FILAMINOPATHY, AUTOSOMAL DOMINANT. Identifiers: Orphanet 171445, MedGen C1836050, MONDO:0012289, OMIM 609524.
Hypertrophic cardiomyopathy 26. Also called: Cardiomyopathy, familial hypertrophic, 26. Identifiers: Orphanet 75249, MedGen C4310749, MONDO:0014883, OMIM 617047.
Primary familial hypertrophic cardiomyopathy (HCM). Identifiers: Orphanet 99739, MedGen C0949658, MeSH D024741, MONDO:0024573. Inheritance: Various modes of inheritance.

Allele frequency attached by ClinVar (database versions not stated): TOPMed below 0.00001.

Submissions (2):

Labcorp Genetics (formerly Invitae), Labcorp
Classification: Uncertain significance for Distal myopathy with posterior leg and anterior hand involvement; Myofibrillar myopathy 5; Hypertrophic cardiomyopathy 26. Last evaluated: 2022-08-22. Review status: criteria provided, single submitter. Criteria: Invitae Variant Classification Sherloc (09022015). Collection method: clinical testing. Allele origin: germline.
Comment: In summary, the available evidence is currently insufficient to determine the role of this variant in disease. Therefore, it has been classified as a Variant of Uncertain Significance. Algorithms developed to predict the effect of missense changes on protein structure and function are either unavailable or do not agree on the potential impact of this missense change (SIFT: "Deleterious"; PolyPhen-2: "Probably Damaging"; Align-GVGD: "Class C0"). ClinVar contains an entry for this variant (Variation ID: 539414). This variant has not been reported in the literature in individuals affected with FLNC-related conditions. This variant is not present in population databases (gnomAD no frequency). This sequence change replaces proline, which is neutral and non-polar, with leucine, which is neutral and non-polar, at codon 679 of the FLNC protein (p.Pro679Leu).

Revvity Omics, Revvity
Classification: Uncertain significance. Last evaluated: 2019-08-22. Review status: criteria provided, single submitter. Criteria: ACMG Guidelines, 2015. Collection method: clinical testing. Allele origin: germline.